The following is an entry in ClinVar:

NM_001365536.1(SCN9A):c.5425C>G (p.Leu1809Val)

Genes: SCN1A-AS1 (SCN1A and SCN9A antisense RNA 1; plus strand), SCN9A (sodium voltage-gated channel alpha subunit 9; minus strand). Cytogenetic location: 2q24.3.
Variant type: single nucleotide variant.
Coding change: c.5425C>G on transcript NM_001365536.1 (MANE Select); coding-DNA position 5425, C replaced by G.
Protein change: p.Leu1809Val; replaces leucine 1809 with valine.
Molecular consequence: missense variant.
Genome position (GRCh38, 1-based): chr2:166,199,214, G>C on the plus strand (C>G on the coding strand, the complement: SCN9A is on the minus strand). VCF-style: chr2-166199214-G-C. GRCh37 (hg19) VCF-style: chr2-167055724-G-C.
Other names: c.5392C>G, p.Leu1798Val (NM_002977.4); short protein forms L1798V, L1809V.
Identifiers: ClinVar variation 577703 (VCV000577703.12), dbSNP rs199954555, ClinGen allele CA1943680.

ClinVar aggregate classification (germline): Uncertain significance. Review status: criteria provided, multiple submitters, no conflicts (2 of 4 stars). 5 submissions from 5 submitters: Uncertain significance (4). 1 of the submissions does not count toward it. Last evaluated 2024-10-30.

Conditions:
SCN9A-related disorder. Also called: SCN9A-related disorders; SCN9A-related condition.
Generalized epilepsy with febrile seizures plus, type 7 (GEFSP7). Also called: GEFS+, TYPE 7. Identifiers: Orphanet 36387, MedGen C2751778, MONDO:0013470, OMIM 613863.
Neuropathy, hereditary sensory and autonomic, type 2A (HSAN2A). Also called: WNK1-Related HSAN2 (HSAN2A); HSAN IIA; MORVAN DISEASE; NEUROPATHY, CONGENITAL SENSORY; NEUROPATHY, HEREDITARY SENSORY RADICULAR, AUTOSOMAL RECESSIVE; NEUROPATHY, HEREDITARY SENSORY, TYPE IIA. Identifiers: Orphanet 970, MedGen C2752089, MONDO:0024309, OMIM 201300.

Allele frequency attached by ClinVar (database versions not stated): gnomAD 0.00001; TOPMed 0.00003; ESP Exome Variant Server 0.00008.
gnomAD v4.1: 8 of 1,614,044 alleles (0.0005%); highest among the groups gnomAD compares: Non-Finnish European, 0.00068%; no homozygotes.

Submissions (5):

Labcorp Genetics (formerly Invitae), Labcorp
Classification: Uncertain significance for Neuropathy, hereditary sensory and autonomic, type 2A; Generalized epilepsy with febrile seizures plus, type 7. Last evaluated: 2024-10-30. Review status: criteria provided, single submitter. Criteria: Invitae Variant Classification Sherloc (09022015). Collection method: clinical testing. Allele origin: germline.
Comment: This sequence change replaces leucine, which is neutral and non-polar, with valine, which is neutral and non-polar, at codon 1798 of the SCN9A protein (p.Leu1798Val). This variant is present in population databases (rs199954555, gnomAD 0.002%). This variant has not been reported in the literature in individuals affected with SCN9A-related conditions. ClinVar contains an entry for this variant (Variation ID: 577703). Invitae Evidence Modeling of protein sequence and biophysical properties (such as structural, functional, and spatial information, amino acid conservation, physicochemical variation, residue mobility, and thermodynamic stability) has been performed for this missense variant. However, the output from this modeling did not meet the statistical confidence thresholds required to predict the impact of this variant on SCN9A protein function. In summary, the available evidence is currently insufficient to determine the role of this variant in disease. Therefore, it has been classified as a Variant of Uncertain Significance.

Women's Health and Genetics/Laboratory Corporation of America, LabCorp
Classification: Uncertain significance. Last evaluated: 2024-09-26. Review status: criteria provided, single submitter. Criteria: LabCorp Variant Classification Summary - May 2015. Collection method: clinical testing. Allele origin: germline.
Comment: Variant summary: SCN9A c.5392C>G (p.Leu1798Val) results in a conservative amino acid change in the encoded protein sequence. Three of five in-silico tools predict a damaging effect of the variant on protein function. The variant allele was found at a frequency of 8e-06 in 251476 control chromosomes. The available data on variant occurrences in the general population are insufficient to allow any conclusion about variant significance. To our knowledge, no occurrence of c.5392C>G in individuals affected with Channelopathy-Associated Congenital Insensitivity To Pain, Autosomal Recessive and no experimental evidence demonstrating its impact on protein function have been reported. ClinVar contains an entry for this variant (Variation ID: 577703). Based on the evidence outlined above, the variant was classified as uncertain significance.

Blueprint Genetics
Classification: Uncertain significance. Last evaluated: 2024-01-05. Review status: criteria provided, single submitter. Criteria: ACMG Guidelines, 2015. Collection method: clinical testing. Allele origin: germline.

Athena Diagnostics
Classification: Uncertain significance. Last evaluated: 2020-08-18. Review status: criteria provided, single submitter. Criteria: Athena Diagnostics Criteria. Collection method: clinical testing. Allele origin: unknown.

PreventionGenetics, part of Exact Sciences
Classification: Uncertain significance for SCN9A-related condition. Last evaluated: 2024-04-13. Review status: no assertion criteria provided. Collection method: clinical testing. Allele origin: germline. Not counted in ClinVar's aggregate classification.
Comment: The SCN9A c.5392C>G variant is predicted to result in the amino acid substitution p.Leu1798Val. To our knowledge, this variant has not been reported in the literature. This variant is reported in 0.0023% of alleles in individuals of European (Non-Finnish) descent in gnomAD. At this time, the clinical significance of this variant is uncertain due to the absence of conclusive functional and genetic evidence.